The following is an entry in ClinVar:

ClinVar aggregate classification (germline): Uncertain significance. Review status: criteria provided, multiple submitters, no conflicts (2 of 4 stars). 2 submissions from 2 submitters: Uncertain significance (2). Last evaluated 2025-04-28.

Conditions:
Autosomal dominant hypocalcemia 1 (HYPOC1). Also called: HYPOCALCEMIA, FAMILIAL. Identifiers: MedGen C3715128, MONDO:0011013, OMIM 601198.
Familial hypocalciuric hypercalcemia (FHH). Also called: Familial benign hypercalcemia. Identifiers: Orphanet 405, MedGen C1809471, MONDO:0018458.
Nephrolithiasis/nephrocalcinosis. Identifiers: MedGen CN580796.

gnomAD v4.1: 1 of 1,614,160 alleles (0.000062%); highest among the groups gnomAD compares: African/African-American, 0.0013%; no homozygotes.

Submissions (2):

Labcorp Genetics (formerly Invitae), Labcorp
Classification: Uncertain significance for Familial hypocalciuric hypercalcemia; Autosomal dominant hypocalcemia 1. Last evaluated: 2025-04-28. Review status: criteria provided, single submitter. Criteria: Invitae Variant Classification Sherloc (09022015). Collection method: clinical testing. Allele origin: germline.
Comment: This sequence change replaces aspartic acid, which is acidic and polar, with glutamic acid, which is acidic and polar, at codon 1046 of the CASR protein (p.Asp1046Glu). This variant is not present in population databases (gnomAD no frequency). This variant has not been reported in the literature in individuals affected with CASR-related conditions. ClinVar contains an entry for this variant (Variation ID: 237769). An algorithm developed to predict the effect of missense changes on protein structure and function outputs the following: PolyPhen-2: "Benign". The glutamic acid amino acid residue is found in multiple mammalian species, which suggests that this missense change does not adversely affect protein function. In summary, the available evidence is currently insufficient to determine the role of this variant in disease. Therefore, it has been classified as a Variant of Uncertain Significance.

Ambry Genetics
Classification: Uncertain significance for Nephrolithiasis/nephrocalcinosis. Last evaluated: 2023-02-28. Review status: criteria provided, single submitter. Criteria: Ambry Variant Classification Scheme 2023. Collection method: clinical testing. Allele origin: germline.
Comment: The p.D1046E variant (also known as c.3138C>A), located in coding exon 6 of the CASR gene, results from a C to A substitution at nucleotide position 3138. The aspartic acid at codon 1046 is replaced by glutamic acid, an amino acid with highly similar properties. This amino acid position is conserved. In addition, this alteration is predicted to be tolerated by in silico analysis. Since supporting evidence is limited at this time, the clinical significance of this alteration remains unclear.

NM_000388.4(CASR):c.3138C>A (p.Asp1046Glu)

Gene: CASR (calcium sensing receptor; plus strand). Cytogenetic location: 3q21.1.
Variant type: single nucleotide variant.
Coding change: c.3138C>A on transcript NM_000388.4 (MANE Select); coding-DNA position 3138, C replaced by A.
Protein change: p.Asp1046Glu; replaces aspartic acid 1046 with glutamic acid.
Molecular consequence: missense variant.
Genome position (GRCh38, 1-based): chr3:122,285,092, C>A. VCF-style: chr3-122285092-C-A. GRCh37 (hg19) VCF-style: chr3-122003939-C-A.
Other names: c.3168C>A, p.Asp1056Glu (NM_001178065.2); short protein forms D1046E, D1056E.
Identifiers: ClinVar variation 237769 (VCV000237769.11), dbSNP rs878853977, ClinGen allele CA10582125.